The following is an entry in ClinVar:

ClinVar aggregate classification (germline): Uncertain significance. Review status: criteria provided, multiple submitters, no conflicts (2 of 4 stars). 2 submissions from 2 submitters: Uncertain significance (2). Last evaluated 2025-12-13.

Submissions (2):

Labcorp Genetics (formerly Invitae), Labcorp
Classification: Uncertain significance. Last evaluated: 2025-12-13. Review status: criteria provided, single submitter. Criteria: Invitae Variant Classification Sherloc (09022015). Collection method: clinical testing. Allele origin: germline.
Comment: This sequence change replaces alanine, which is neutral and non-polar, with proline, which is neutral and non-polar, at codon 229 of the AMER1 protein (p.Ala229Pro). This variant is not present in population databases (gnomAD no frequency). This variant has not been reported in the literature in individuals affected with AMER1-related conditions. ClinVar contains an entry for this variant (Variation ID: 2662913). An algorithm developed to predict the effect of missense changes on protein structure and function (PolyPhen-2) suggests that this variant is likely to be tolerated. In summary, the available evidence is currently insufficient to determine the role of this variant in disease. Therefore, it has been classified as a Variant of Uncertain Significance.

GeneDx
Classification: Uncertain significance. Last evaluated: 2023-04-03. Review status: criteria provided, single submitter. Criteria: GeneDx Variant Classification Process June 2021. Collection method: clinical testing. Allele origin: germline. Affected: yes.
Comment: Not observed at significant frequency in large population cohorts (gnomAD); In silico analysis supports that this missense variant does not alter protein structure/function; Has not been previously published as pathogenic or benign to our knowledge

NM_152424.4(AMER1):c.685G>C (p.Ala229Pro)

Gene: AMER1 (APC membrane recruitment protein 1; minus strand). Cytogenetic location: Xq11.2.
Variant type: single nucleotide variant.
Coding change: c.685G>C on transcript NM_152424.4 (MANE Select); coding-DNA position 685, G replaced by C.
Protein change: p.Ala229Pro; replaces alanine 229 with proline.
Molecular consequence: missense variant.
Genome position (GRCh38, 1-based): chrX:64,192,602, C>G on the plus strand (G>C on the coding strand, the complement: AMER1 is on the minus strand). VCF-style: chrX-64192602-C-G. GRCh37 (hg19) VCF-style: chrX-63412482-C-G.
Other names: short protein forms A229P.
Identifiers: ClinVar variation 2662913 (VCV002662913.3), dbSNP rs1602068169, ClinGen allele CA413310003.
Genomic context (GRCh38, chrX:64,192,602, plus strand): 5'-CTGGTGGAGAAGGTTCTGGTGTTGGAGAAACTTTTGGCCCAGGGGCATCTTGGGGGTTAG[C>G]ATTTTCCTTTCTAGGGGCTTGGAAGGTCTCCTCAAAGCAGGGCACCTGAGGGGCTGAGCT-3'
Protein context (NP_689637.3, residues 219-239): ETFQAPRKEN[Ala229Pro]NPQDAPGPKV